The following is an entry in ClinVar:

ClinVar aggregate classification (germline): Uncertain significance. Review status: criteria provided, single submitter (1 of 4 stars). 2 submissions from 2 submitters: Uncertain significance (1). 1 of the submissions does not count toward it. Last evaluated 2023-11-18.

Conditions:
Epilepsy. Also called: Seizure disorder. Identifiers: MedGen C0014544, MeSH D004827, MONDO:0005027.
PIGQ-related disorder. Also called: PIGQ-related condition.

Allele frequency attached by ClinVar (database versions not stated): gnomAD exomes 0.00013; ExAC 0.00015; TOPMed 0.00047; gnomAD 0.00048 and 0.00051; ESP Exome Variant Server 0.00054; 1000 Genomes Project 0.00080; 1000 Genomes Project 30x 0.00094.

Submissions (2):

Labcorp Genetics (formerly Invitae), Labcorp
Classification: Uncertain significance for Epilepsy. Last evaluated: 2023-11-18. Review status: criteria provided, single submitter. Criteria: Invitae Variant Classification Sherloc (09022015). Collection method: clinical testing. Allele origin: germline.
Comment: This sequence change replaces arginine, which is basic and polar, with lysine, which is basic and polar, at codon 524 of the PIGQ protein (p.Arg524Lys). This variant is present in population databases (rs143762913, gnomAD 0.2%). This variant has not been reported in the literature in individuals affected with PIGQ-related conditions. ClinVar contains an entry for this variant (Variation ID: 526276). An algorithm developed to predict the effect of missense changes on protein structure and function (PolyPhen-2) suggests that this variant¬†is likely to be tolerated. In summary, the available evidence is currently insufficient to determine the role of this variant in disease. Therefore, it has been classified as a Variant of Uncertain Significance.

PreventionGenetics, part of Exact Sciences
Classification: Likely benign for PIGQ-related condition. Last evaluated: 2022-10-20. Review status: no assertion criteria provided. Collection method: clinical testing. Allele origin: germline. Not counted in ClinVar's aggregate classification.
Comment: This variant is classified as likely benign based on ACMG/AMP sequence variant interpretation guidelines (Richards et al. 2015 PMID: 25741868, with internal and published modifications).

NM_004204.5(PIGQ):c.1571G>A (p.Arg524Lys)

Gene: PIGQ (phosphatidylinositol glycan anchor biosynthesis class Q; plus strand). Cytogenetic location: 16p13.3.
Variant type: single nucleotide variant.
Coding change: c.1571G>A on transcript NM_004204.5 (MANE Select); coding-DNA position 1571, G replaced by A.
Protein change: p.Arg524Lys; replaces arginine 524 with lysine.
Molecular consequence: missense variant. On other transcripts: intron variant (1).
Genome position (GRCh38, 1-based): chr16:582,287, G>A. VCF-style: chr16-582287-G-A. GRCh37 (hg19) VCF-style: chr16-632287-G-A.
Other names: c.1532-596G>A (NM_148920.4); short protein forms R524K.
Identifiers: ClinVar variation 526276 (VCV000526276.9), dbSNP rs143762913, ClinGen allele CA7780446.
Genomic context (GRCh38, chr16:582,287, plus strand): 5'-AGCCGCTTGCTATCCTTGCAGCTGGCGTGAAGTTCCGTGTCCTCCGGCACGAGGCCGGCA[G>A]GCCCCTCCGCCTCCTGATGCAGGTGAGGCCCCTTGTGGCCAGGACGCCCCTACGCTGCTG-3'
Protein context (NP_004195.2, residues 514-534): KFRVLRHEAG[Arg524Lys]PLRLLMQINP